The following is an entry in ClinVar:

NM_206933.4(USH2A):c.5857+2T>C

Genes: USH2A-AS2 (USH2A antisense RNA 2; plus strand), USH2A (usherin; minus strand). Cytogenetic location: 1q41.
Variant type: single nucleotide variant.
Coding change: c.5857+2T>C on transcript NM_206933.4 (MANE Select); the canonical splice donor site of the intron after coding-DNA position 5857, T replaced by C.
Molecular consequence: splice donor variant.
Genome position (GRCh38, 1-based): chr1:216,072,887, A>G on the plus strand (T>C on the coding strand, the complement: USH2A is on the minus strand). VCF-style: chr1-216072887-A-G. GRCh37 (hg19) VCF-style: chr1-216246229-A-G.
Other names: c.5857+2T>C (NM_206933.3).
Identifiers: ClinVar variation 48544 (VCV000048544.31), dbSNP rs397518022, ClinGen allele CA262109.

ClinVar aggregate classification (germline): Likely pathogenic. Review status: reviewed by expert panel (3 of 4 stars). 9 submissions from 9 submitters: Likely pathogenic (1). 8 of the submissions do not count toward it. Last evaluated 2025-07-16.

Conditions:
Rare genetic deafness. Identifiers: Orphanet 96210, MedGen C5680250.
USH2A-related disorder. Also called: USH2A-related condition; USH2A-related disorders. Identifiers: MedGen CN239332.
Usher syndrome. Also called: Usher Syndromes; Usher's syndrome. Identifiers: Orphanet 886, MedGen CN469326, MeSH D052245, MONDO:0019501. Disease mechanism: loss of function.
Retinitis pigmentosa 39 (RP39). Identifiers: Orphanet 791, MedGen C3151138, MONDO:0013436, OMIM 613809.
Usher syndrome type 2A. Also called: USHER SYNDROME, TYPE IIA; RETINAL DISEASE IN USHER SYNDROME TYPE IIA, MODIFIER OF. Identifiers: Orphanet 231178, Orphanet 886, MedGen C1848634, MONDO:0010169, OMIM 276901.

Allele frequency attached by ClinVar (database versions not stated): TOPMed 0.00001; gnomAD 0.00002; gnomAD exomes 0.00001.
gnomAD v4.1: 12 of 1,613,410 alleles (0.00074%); highest among the groups gnomAD compares: African/African-American, 0.0013%; no homozygotes.

Submissions (9):

ClinGen Hearing Loss Variant Curation Expert Panel
Classification: Likely pathogenic for Usher syndrome. Last evaluated: 2025-07-16. Review status: reviewed by expert panel. Criteria: Clingen Hl Acmg Specifications Cdh23 Coch Gjb2 Kcnq4 Myo6 Myo7a Slc26a4 Tecta Ush2a V2. Collection method: curation. Allele origin: germline. Inheritance: Autosomal recessive inheritance.
Comment: The c.5857+2T>C variant in USH2A has been identified in at least 3 probands: in a compound heterozygous state in one individual with autosomal recessive retinitis pigmentosa, one patient with usher syndrome who was compound heterozygous for a second pathogenic (phase unknown); and in a heterozygous state in two individuals with Usher syndrome type II (PM3, PP4; PMID 20507924,18641288, LMM unpublished data SCV000065566.6 ). The allele frequency of this variant is 0.001% (11/ 1179534) of European non-finnish chromosomes by gnomAD v.4, which is lower than the thresholds defined by the ClinGen Hearing Loss Expert Panel for PM2_Supporting, meeting this criterion (PM2_Supporting). This variant occurs within the canonical splice site (+/- 1,2) and is predicted to cause altered splicing, though the exact impact is unknown. Exon 29 is in-frame, and if the variant results in exon skipping, it would remove <10% of the USH2A protein. However, two truncating pathogenic / likely pathogenic variants in this exon have been reported in ClinVar, which may suggest it is required for normal protein function (PVS1_Moderate). In summary, this variant meets criteria to be classified as likely pathogenic for autosomal recessive usher syndrome based on the ACMG/AMP criteria applied as specified by the Hearing Loss Expert Panel (PVS1_Moderate, PM3, PP4, PM2_Supporting) (ClinGen Hearing Loss VCEP specifications version 2; 7/16/2025)

Natera, Inc.
Classification: Likely pathogenic for Usher syndrome type 2A. Last evaluated: 2025-09-01. Review status: criteria provided, single submitter. Criteria: Natera Variant Classification Schema (03/2026). Collection method: clinical testing. Allele origin: germline. Not counted in ClinVar's aggregate classification.
Comment: The c.5857+2T>C variant in USH2A is a canonical splice donor site variant predicted to affect pre-mRNA splicing, which may result in an abnormal transcript and altered protein product. This variant may result in a truncated or dysfunctional protein product. This variant is rare in the general population with a frequency below the threshold expected for the associated phenotype(s). This variant has been observed in one or more individuals affected with the associated recessive disease, as either homozygous or compound heterozygous with a second variant (PMID: 39560289). This variant has been identified in one or more affected individual with a phenotype highly consistent with the associated gene (PMID: 39560289). Given the available evidence, this variant is classified as Likely Pathogenic.

Labcorp Genetics (formerly Invitae), Labcorp
Classification: Pathogenic. Last evaluated: 2025-06-04. Review status: criteria provided, single submitter. Criteria: Invitae Variant Classification Sherloc (09022015). Collection method: clinical testing. Allele origin: germline. Not counted in ClinVar's aggregate classification.
Comment: This sequence change affects a donor splice site in intron 29 of the USH2A gene. It is expected to disrupt RNA splicing. Variants that disrupt the donor or acceptor splice site typically lead to a loss of protein function (PMID: 16199547), and loss-of-function variants in USH2A are known to be pathogenic (PMID: 10729113, 10909849, 20507924, 25649381). This variant is present in population databases (rs397518022, gnomAD 0.01%). Disruption of this splice site has been observed in individuals with autosomal recessive inherited retinal dystrophy and Usher syndrome, type 2A (PMID: 18641288, 20507924; internal data). ClinVar contains an entry for this variant (Variation ID: 48544). Algorithms developed to predict the effect of sequence changes on RNA splicing suggest that this variant may disrupt the consensus splice site. For these reasons, this variant has been classified as Pathogenic.

Baylor Genetics
Classification: Pathogenic for Retinitis pigmentosa 39. Last evaluated: 2024-03-24. Review status: criteria provided, single submitter. Criteria: ACMG Guidelines, 2015. Collection method: clinical testing. Allele origin: unknown. Not counted in ClinVar's aggregate classification.

Blueprint Genetics
Classification: Pathogenic for USH2A-related disorders. Last evaluated: 2023-05-05. Review status: criteria provided, single submitter. Criteria: ACMG Guidelines, 2015. Collection method: clinical testing. Allele origin: germline. Affected: yes. Observed: 3 variant alleles. Not counted in ClinVar's aggregate classification.

GeneDx
Classification: Likely pathogenic. Last evaluated: 2023-01-12. Review status: criteria provided, single submitter. Criteria: GeneDx Variant Classification Process June 2021. Collection method: clinical testing. Allele origin: germline. Affected: yes. Not counted in ClinVar's aggregate classification.
Comment: Identified in individuals with Usher syndrome type II in the published literature, however, it is unknown if a second USH2A variant was identified in some cases (Sandberg et al., 2008; McGee et al., 2010); Canonical splice site variant expected to result in aberrant splicing, although in the absence of functional evidence the actual effect of this sequence change is unknown.; This variant is associated with the following publications: (PMID: 25525159, 20507924, 18641288, 35266249, 26582918)

Greenwood Genetic Center Diagnostic Laboratories, Greenwood Genetic Center
Classification: Likely pathogenic for Usher syndrome type 2A. Last evaluated: 2022-07-25. Review status: criteria provided, single submitter. Criteria: ACMG Guidelines, 2015. Collection method: clinical testing. Allele origin: germline. Not counted in ClinVar's aggregate classification.
Comment: PVS1_Moderate, PM2, PM3, PP4

Laboratory for Molecular Medicine, Mass General Brigham Personalized Medicine
Classification: Pathogenic for Rare genetic deafness. Last evaluated: 2013-03-11. Review status: criteria provided, single submitter. Criteria: LMM Criteria. Collection method: clinical testing. Allele origin: germline. Inheritance: Autosomal recessive inheritance. Observed: 1 variant allele. Not counted in ClinVar's aggregate classification.
Comment: The 5857+2T>C variant has been reported in 2 probands with the clinical features of Usher syndrome type II, one of whom carried a second pathogenic USH2A varian t (Sandberg 2008, McGee 2010). This variant occurs in the invariant region (+1/2 ) of the 5' splice consensus sequence and is predicted to cause altered splicing leading to an abnormal or absent protein. In summary, this variant meets our cr iteria to be classified as pathogenic.

Counsyl
Classification: Likely pathogenic for Retinitis pigmentosa 39. Last evaluated: 2017-05-09. Review status: no assertion criteria provided. Collection method: clinical testing. Allele origin: unknown. Not counted in ClinVar's aggregate classification.

Literature cited by the submitters: PubMed 20507924 (cited by 4 submitters); PubMed 18641288 (cited by 4 submitters); PubMed 39560289 (cited by Natera, Inc.); PubMed 16199547 (cited by Labcorp Genetics (formerly Invitae), Labcorp); PubMed 10729113 (cited by Labcorp Genetics (formerly Invitae), Labcorp); PubMed 10909849 (cited by Labcorp Genetics (formerly Invitae), Labcorp); PubMed 25649381 (cited by Labcorp Genetics (formerly Invitae), Labcorp).